The following is an entry in ClinVar:

NM_004517.4(ILK):c.427C>A (p.Pro143Thr)

Genes: ILK (integrin linked kinase; plus strand), TAF10 (TATA-box binding protein associated factor 10; minus strand). Cytogenetic location: 11p15.4.
Variant type: single nucleotide variant.
Coding change: c.427C>A on transcript NM_004517.4 (MANE Select); coding-DNA position 427, C replaced by A.
Protein change: p.Pro143Thr; replaces proline 143 with threonine.
Molecular consequence: missense variant. On other transcripts: 3 prime UTR variant (1), intron variant (1).
Genome position (GRCh38, 1-based): chr11:6,608,769, C>A. VCF-style: chr11-6608769-C-A. GRCh37 (hg19) VCF-style: chr11-6629999-C-A.
Other names: c.427C>A, p.Pro143Thr (NM_001014794.3, NM_001014795.3); c.25C>A, p.Pro9Thr (NM_001278442.2); c.*2153G>T (NM_006284.4); c.352-115C>A (NM_001278441.2); short protein forms P143T, P9T.
Identifiers: ClinVar variation 1739322 (VCV001739322.7), dbSNP rs200920329, ClinGen allele CA5858041.
Genomic context (GRCh38, chr11:6,608,769, plus strand): 5'-GGGGCCCTTGTCAGCATCTGTAACAAGTATGGAGAGATGCCTGTGGACAAAGCCAAGGCA[C>A]CCCTGAGAGAGCTTCTCCGAGGTCCATCTCCCCATCCCCTAGCTTGTGTCCTCTCGTCCC-3'
Protein context (NP_004508.1, residues 133-153): GEMPVDKAKA[Pro143Thr]LRELLRERAE

ClinVar aggregate classification (germline): Uncertain significance. Review status: criteria provided, multiple submitters, no conflicts (2 of 4 stars). 2 submissions from 2 submitters: Uncertain significance (2). Last evaluated 2023-12-07.

Conditions:
Primary familial hypertrophic cardiomyopathy (HCM). Identifiers: Orphanet 99739, MedGen C0949658, MeSH D024741, MONDO:0024573. Inheritance: Various modes of inheritance.

Allele frequency attached by ClinVar (database versions not stated): TOPMed below 0.00001; ExAC 0.00001; gnomAD 0.00001; gnomAD exomes 0.00002.
gnomAD v4.1: 37 of 1,613,886 alleles (0.0023%); highest among the groups gnomAD compares: Admixed American, 0.0033%; no homozygotes.

Submissions (2):

Ambry Genetics
Classification: Uncertain significance. Last evaluated: 2023-12-07. Review status: criteria provided, single submitter. Criteria: Ambry Variant Classification Scheme 2023. Collection method: clinical testing. Allele origin: germline.

Labcorp Genetics (formerly Invitae), Labcorp
Classification: Uncertain significance for Primary familial hypertrophic cardiomyopathy. Last evaluated: 2022-03-11. Review status: criteria provided, single submitter. Criteria: Invitae Variant Classification Sherloc (09022015). Collection method: clinical testing. Allele origin: germline.
Comment: In summary, the available evidence is currently insufficient to determine the role of this variant in disease. Therefore, it has been classified as a Variant of Uncertain Significance. This sequence change replaces proline, which is neutral and non-polar, with threonine, which is neutral and polar, at codon 143 of the ILK protein (p.Pro143Thr). This variant is present in population databases (rs200920329, gnomAD 0.003%). This variant has not been reported in the literature in individuals affected with ILK-related conditions. Algorithms developed to predict the effect of missense changes on protein structure and function (SIFT, PolyPhen-2, Align-GVGD) all suggest that this variant is likely to be tolerated.